The following is an entry in ClinVar:

ClinVar aggregate classification (germline): Uncertain significance (1 of 4 stars; one submission).

Conditions:
Malignant hyperthermia, susceptibility to, 1 (MHS1). Also called: Anesthesia related hyperthermia; Malignant hyperpyrexia; Fulminating hyperpyrexia; Pharmacogenic myopathy; RYR1-Related Malignant Hyperthermia Susceptibility; Malignant hyperthermia suceptibility 1. Identifiers: Orphanet 423, MedGen C2930980, MONDO:0007783, OMIM 145600.

Allele frequency attached by ClinVar (database versions not stated): gnomAD exomes below 0.00001.
gnomAD v4.1: 2 of 1,613,996 alleles (0.00012%); highest among the groups gnomAD compares: Non-Finnish European, 0.00017%; no homozygotes.

Submission:

All of Us Research Program, National Institutes of Health
Classification: Uncertain significance for Malignant hyperthermia, susceptibility to, 1. Last evaluated: 2023-06-26. Review status: criteria provided, single submitter. Criteria: ACMG Guidelines, 2015. Collection method: clinical testing. Allele origin: germline. Inheritance: Autosomal dominant inheritance. Observed: 2 variant alleles, 2 heterozygotes.
Comment: This variant causes a G to A nucleotide substitution at the -14 position of intron 88 of the RYR1 gene. To our knowledge, functional studies have not been reported for this variant. This variant has not been reported in individuals affected with RYR1-related disorders in the literature. This variant has not been identified in the general population by the Genome Aggregation Database (gnomAD). The available evidence is insufficient to determine the role of this variant in disease conclusively. Therefore, this variant is classified as a Variant of Uncertain Significance.

This study involves interpretation of variants in research participants for the purpose of population health screening. Participant phenotype was not available at the time of variant classification. Additional details can be found in publication PMID: 35346344, PMCID: PMC8962531

NM_000540.3(RYR1):c.12095-14G>A

Gene: RYR1 (ryanodine receptor 1; plus strand). Cytogenetic location: 19q13.2.
Variant type: single nucleotide variant.
Coding change: c.12095-14G>A on transcript NM_000540.3 (MANE Select); 14 bases into the intron before coding-DNA position 12095, G replaced by A.
Molecular consequence: intron variant.
Genome position (GRCh38, 1-based): chr19:38,548,219, G>A. VCF-style: chr19-38548219-G-A. GRCh37 (hg19) VCF-style: chr19-39038859-G-A.
Other names: c.12080-14G>A (NM_001042723.2).
Identifiers: ClinVar variation 3071621 (VCV003071621.1), dbSNP rs2514599749, ClinGen allele CA2576804917.
Genomic context (GRCh38, chr19:38,548,219, plus strand): 5'-GGAAAGAGAGGCAAGCCTGGTGGGGCCCCAGAAGGGAGTGTTCACCGGCCACACTGACCT[G>A]GGGCTGCCTGCAGGGAACGTGGTGAACGGCATGATCGCCCGGCAGATGGTGGACATGCTC-3'